The following is an entry in ClinVar:

NM_000370.3(TTPA):c.227G>A (p.Trp76Ter)

Gene: TTPA (alpha tocopherol transfer protein; minus strand). Cytogenetic location: 8q12.3.
Variant type: single nucleotide variant.
Coding change: c.227G>A on transcript NM_000370.3 (MANE Select); coding-DNA position 227, G replaced by A.
Protein change: p.Trp76Ter; replaces tryptophan 76 with a stop codon.
Molecular consequence: nonsense. On other transcripts: non-coding transcript variant (2), intron variant (2).
Genome position (GRCh38, 1-based): chr8:63,073,066, C>T on the plus strand (G>A on the coding strand, the complement: TTPA is on the minus strand). VCF-style: chr8-63073066-C-T. GRCh37 (hg19) VCF-style: chr8-63985625-C-T.
Other names: c.227G>A, p.Trp76Ter (NM_001413415.1, NM_001413416.1, NM_001413418.1); c.205-11641G>A (NM_001413417.1); c.205-8750G>A (NM_001413414.1); short protein forms W76*.
Identifiers: ClinVar variation 4851964 (VCV004851964.1).

ClinVar aggregate classification (germline): Pathogenic (1 of 4 stars; one submission).

gnomAD v4.1: 2 of 1,611,182 alleles (0.00012%); highest among the groups gnomAD compares: Non-Finnish European, 0.00017%; no homozygotes.

Submission:

Dasa
Classification: Pathogenic. Last evaluated: 2025-07-08. Review status: criteria provided, single submitter. Criteria: DASA Assertion Criteria. Collection method: clinical testing. Allele origin: germline.
Comment: NM_000370.3(TTPA):c.227G>A (p.Trp76*) introduces a premature termination codon predicted to result in loss of normal protein function. Loss-of-function is an established mechanism of disease for this gene. Segregation evidence has been reported in affected families. This variant has been observed in affected individuals with related phenotype in a genotype context consistent with recessive disease (PMID: 18458655). This variant has been reported in individuals with related phenotype (PMID: 18458655). The variant is present at low frequency in population datasets. Based on the available data, this variant is classified as pathogenic.

Literature cited by the submitters: PubMed 18458655.